The following is an entry in ClinVar:

ClinVar aggregate classification (germline): Uncertain significance. Review status: criteria provided, multiple submitters, no conflicts (2 of 4 stars). 2 submissions from 2 submitters: Uncertain significance (2). Last evaluated 2025-06-30.

Conditions:
Erythrocytosis, familial, 3 (ECYT3). Identifiers: Orphanet 247511, MedGen C1853286, MONDO:0012353, OMIM 609820.

Allele frequency attached by ClinVar (database versions not stated): gnomAD exomes below 0.00001.
gnomAD v4.1: 2 of 1,613,654 alleles (0.00012%); highest among the groups gnomAD compares: Admixed American, 0.0033%; no homozygotes.

Submissions (2):

Labcorp Genetics (formerly Invitae), Labcorp
Classification: Uncertain significance for Erythrocytosis, familial, 3. Last evaluated: 2025-06-30. Review status: criteria provided, single submitter. Criteria: Invitae Variant Classification Sherloc (09022015). Collection method: clinical testing. Allele origin: germline.
Comment: This sequence change replaces cysteine, which is neutral and slightly polar, with tyrosine, which is neutral and polar, at codon 326 of the EGLN1 protein (p.Cys326Tyr). This variant is present in population databases (no rsID available, gnomAD 0.003%). This missense change has been observed in individual(s) with clinical features of EGLN1-related conditions (PMID: 29790589, 37317877). ClinVar contains an entry for this variant (Variation ID: 1768167). An algorithm developed to predict the effect of missense changes on protein structure and function (PolyPhen-2) suggests that this variant is likely to be disruptive. In summary, the available evidence is currently insufficient to determine the role of this variant in disease. Therefore, it has been classified as a Variant of Uncertain Significance.

Ambry Genetics
Classification: Uncertain significance. Last evaluated: 2020-08-11. Review status: criteria provided, single submitter. Criteria: Ambry Variant Classification Scheme 2023. Collection method: clinical testing. Allele origin: germline.
Comment: The p.C326Y variant (also known as c.977G>A), located in coding exon 2 of the EGLN1 gene, results from a G to A substitution at nucleotide position 977. The cysteine at codon 326 is replaced by tyrosine, an amino acid with highly dissimilar properties. This alteration has been reported as a variant of unknown significance in a hereditary erythrocytosis cohort (Oliveira JL et al. Am. J. Hematol., 2018 May). This amino acid position is highly conserved in available vertebrate species. In addition, this alteration is predicted to be deleterious by in silico analysis. Since supporting evidence is limited at this time, the clinical significance of this alteration remains unclear.

Literature cited by the submitters: PubMed 29790589 (cited by Labcorp Genetics (formerly Invitae), Labcorp and Ambry Genetics); PubMed 37317877 (cited by Labcorp Genetics (formerly Invitae), Labcorp).

NM_022051.3(EGLN1):c.977G>A (p.Cys326Tyr)

Gene: EGLN1 (egl-9 family hypoxia inducible factor 1; minus strand). Cytogenetic location: 1q42.2.
Variant type: single nucleotide variant.
Coding change: c.977G>A on transcript NM_022051.3 (MANE Select); coding-DNA position 977, G replaced by A.
Protein change: p.Cys326Tyr; replaces cysteine 326 with tyrosine.
Molecular consequence: missense variant.
Genome position (GRCh38, 1-based): chr1:231,374,014, C>T on the plus strand (G>A on the coding strand, the complement: EGLN1 is on the minus strand). VCF-style: chr1-231374014-C-T. GRCh37 (hg19) VCF-style: chr1-231509760-C-T.
Other names: c.977G>A, p.Cys326Tyr (NM_001377260.1, NM_001377261.1); short protein forms C326Y.
Identifiers: ClinVar variation 1768167 (VCV001768167.3), dbSNP rs1245182672, ClinGen allele CA345241376.
Genomic context (GRCh38, chr1:231,374,014, plus strand): 5'-AATAAATGCTCAATTAAGTTGCATACCTTGGCATCCCAGTCTTTATTAAGATAATATATA[C>T]ATGTCACACATCTTCCATCTCCATTTGGATTATCAACATGACGTACATAACCCGTTCCAT-3'
Protein context (NP_071334.1, residues 316-336): NPNGDGRCVT[Cys326Tyr]IYYLNKDWDA